The following is an entry in ClinVar:

NM_018136.5(ASPM):c.6916_6919del (p.Leu2306fs)

Gene: ASPM (assembly factor for spindle microtubules; minus strand). Cytogenetic location: 1q31.3.
Variant type: Deletion.
Coding change: c.6916_6919del on transcript NM_018136.5 (MANE Select); coding-DNA positions 6916 to 6919, 4 bases deleted (TTAC; older notation c.6916_6919delTTAC).
Protein change: p.Leu2306fs; shifts the reading frame from leucine 2306.
Molecular consequence: frameshift variant. On other transcripts: intron variant (1).
Genome position (GRCh38, 1-based): chr1:197,102,332-197,102,335, GTAA deleted on the plus strand (TTAC on the coding strand, the reverse complement: ASPM is on the minus strand); deleting any 4 consecutive bases within chr1:197,102,332-197,102,337 gives the same sequence; the c. name uses the placement nearest the transcript's 3' end. VCF-style (leftmost placement, unchanged base first): chr1-197102331-TGTAA-T. GRCh37 (hg19) VCF-style: chr1-197071461-TGTAA-T.
Other names: c.6916_6919delTTAC (NM_018136.4); c.4066-6171_4066-6168del (NM_001206846.2); short protein forms L2306fs.
Identifiers: ClinVar variation 422700 (VCV000422700.8), dbSNP rs1064795945, ClinGen allele CA16617033.
Genomic context (GRCh38, chr1:197,102,331, plus strand): 5'-ATCATCCATCTTCTGTATGATGACTGGATTTTAATAACTGCATTTTGTACCTGAAGGAAC[TGTAA>T]GTGATGCTTTGTACAAAGATGTGCCCGATATTTTCTCTGAATCAAAATAGCAGTTTTCTT-3'

ClinVar aggregate classification (germline): Pathogenic/Likely pathogenic. Review status: criteria provided, multiple submitters, no conflicts (2 of 4 stars). 4 submissions from 4 submitters: Pathogenic (2); Likely pathogenic (2). Last evaluated 2023-04-11.

Conditions:
Microcephaly 5, primary, autosomal recessive (MCPH5). Also called: ASPM Primary Microcephaly. Identifiers: Orphanet 2512, MedGen C1837501, MONDO:0012106, OMIM 608716.

Submissions (4):

Genome-Nilou Lab
Classification: Likely pathogenic for Microcephaly 5, primary, autosomal recessive. Last evaluated: 2023-04-11. Review status: criteria provided, single submitter. Criteria: ACMG Guidelines, 2015. Collection method: clinical testing. Allele origin: germline. Affected: no.

GeneDx
Classification: Pathogenic. Last evaluated: 2019-08-15. Review status: criteria provided, single submitter. Criteria: GeneDx Variant Classification Process June 2021. Collection method: clinical testing. Allele origin: germline. Affected: yes.
Comment: Frameshift variant predicted to result in protein truncation or nonsense mediated decay in a gene for which loss-of-function is a known mechanism of disease; Not observed at a significant frequency in large population cohorts (Lek et al., 2016); Has not been previously published as pathogenic or benign to our knowledge

Geisinger Autism and Developmental Medicine Institute, Geisinger Health System
Classification: Likely pathogenic for Microcephaly 5, primary, autosomal recessive. Last evaluated: 2017-06-28. Review status: criteria provided, single submitter. Criteria: ACMG Guidelines, 2015. Collection method: provider interpretation, clinical testing. Allele origin: maternal. Observed: 1 variant allele.
Comment: The p.Leu2306SerfsX20 is absent from population databases. The variant is predicted to cause loss of normal protein function. Individuals with this form of primary microcephaly have been noted to have narrow sloping foreheads.

Juno Genomics, Hangzhou Juno Genomics, Inc
Classification: Pathogenic for Microcephaly 5, primary, autosomal recessive. Review status: criteria provided, single submitter. Criteria: ACMG Guidelines, 2015. Collection method: clinical testing. Allele origin: germline.
Comment: Absent from controls (or at extremely low frequency if recessive) in Genome Aggregation Database.;Null variant in a gene where loss of function (LOF) is a known mechanism of disease.;For recessive disorders, detected in trans with a pathogenic variant.

Literature cited by the submitters: PubMed 12355089 (cited by Geisinger Autism and Developmental Medicine Institute, Geisinger Health System); PubMed 19770472 (cited by Geisinger Autism and Developmental Medicine Institute, Geisinger Health System).